The following is an entry in ClinVar:

ClinVar aggregate classification (germline): Uncertain significance (1 of 4 stars; one submission).

Submission:

Labcorp Genetics (formerly Invitae), Labcorp
Classification: Uncertain significance. Last evaluated: 2024-11-29. Review status: criteria provided, single submitter. Criteria: Invitae Variant Classification Sherloc (09022015). Collection method: clinical testing. Allele origin: germline.
Comment: This sequence change replaces arginine, which is basic and polar, with glycine, which is neutral and non-polar, at codon 761 of the ASPM protein (p.Arg761Gly). This variant is not present in population databases (gnomAD no frequency). This variant has not been reported in the literature in individuals affected with ASPM-related conditions. Invitae Evidence Modeling of protein sequence and biophysical properties (such as structural, functional, and spatial information, amino acid conservation, physicochemical variation, residue mobility, and thermodynamic stability) indicates that this missense variant is not expected to disrupt ASPM protein function with a negative predictive value of 80%. In summary, the available evidence is currently insufficient to determine the role of this variant in disease. Therefore, it has been classified as a Variant of Uncertain Significance.

NM_018136.5(ASPM):c.2281A>G (p.Arg761Gly)

Gene: ASPM (assembly factor for spindle microtubules; minus strand). Cytogenetic location: 1q31.3.
Variant type: single nucleotide variant.
Coding change: c.2281A>G on transcript NM_018136.5 (MANE Select); coding-DNA position 2281, A replaced by G.
Protein change: p.Arg761Gly; replaces arginine 761 with glycine.
Molecular consequence: missense variant.
Genome position (GRCh38, 1-based): chr1:197,133,488, T>C on the plus strand (A>G on the coding strand, the complement: ASPM is on the minus strand). VCF-style: chr1-197133488-T-C. GRCh37 (hg19) VCF-style: chr1-197102618-T-C.
Other names: c.2281A>G, p.Arg761Gly (NM_001206846.2); short protein forms R761G.
Identifiers: ClinVar variation 3676044 (VCV003676044.2).